The following is an entry in ClinVar:

NM_138927.4(SON):c.3326C>T (p.Ala1109Val)

Gene: SON (SON DNA and RNA binding protein; plus strand). Cytogenetic location: 21q22.11.
Variant type: single nucleotide variant.
Coding change: c.3326C>T on transcript NM_138927.4 (MANE Select); coding-DNA position 3326, C replaced by T.
Protein change: p.Ala1109Val; replaces alanine 1109 with valine.
Molecular consequence: missense variant. On other transcripts: non-coding transcript variant (1), intron variant (1).
Genome position (GRCh38, 1-based): chr21:33,552,557, C>T. VCF-style: chr21-33552557-C-T. GRCh37 (hg19) VCF-style: chr21-34924863-C-T.
Other names: c.3326C>T (NM_138927.2, NM_138927.1); c.3326C>T, p.Ala1109Val (NM_001291411.2, NM_032195.3); c.245-4599C>T (NM_001291412.3); short protein forms A1109V.
Identifiers: ClinVar variation 718888 (VCV000718888.39), dbSNP rs144188863, ClinGen allele CA10009265.

ClinVar aggregate classification (germline): Likely benign. Review status: criteria provided, multiple submitters, no conflicts (2 of 4 stars). 7 submissions from 7 submitters: Likely benign (4). 3 of the submissions do not count toward it. Last evaluated 2026-01-31.

Conditions:
SON-related disorder. Also called: SON-related condition.
Inborn genetic diseases. Identifiers: MedGen C0950123, MeSH D030342.

Allele frequency attached by ClinVar (database versions not stated): gnomAD 0.00203 and 0.00200; gnomAD exomes 0.00252 and 0.00163; 1000 Genomes Project 30x 0.00078; 1000 Genomes Project 0.00080; ExAC 0.00151; ESP Exome Variant Server 0.00161; TOPMed 0.00196.
gnomAD v4.1: 3,958 of 1,614,108 alleles (0.25%); highest among the groups gnomAD compares: Non-Finnish European, 0.29%; 8 homozygotes.

Submissions (7):

Labcorp Genetics (formerly Invitae), Labcorp
Classification: Likely benign. Last evaluated: 2026-01-31. Review status: criteria provided, single submitter. Criteria: Invitae Variant Classification Sherloc (09022015). Collection method: clinical testing. Allele origin: germline.

CeGaT Center for Human Genetics Tuebingen
Classification: Likely benign. Last evaluated: 2026-01-01. Review status: criteria provided, single submitter. Criteria: CeGaT Center For Human Genetics Tuebingen Variant Classification Criteria Version 2. Collection method: clinical testing. Allele origin: germline. Affected: yes. Observed: 7 variant alleles.
Comment: SON: BS1

Blueprint Genetics
Classification: Likely benign. Last evaluated: 2024-11-23. Review status: criteria provided, single submitter. Criteria: ACMG Guidelines, 2015. Collection method: clinical testing. Allele origin: germline.

Ambry Genetics
Classification: Likely benign for Inborn genetic diseases. Last evaluated: 2023-02-21. Review status: criteria provided, single submitter. Criteria: Ambry Variant Classification Scheme 2023. Collection method: clinical testing. Allele origin: germline.

PreventionGenetics, part of Exact Sciences
Classification: Benign for SON-related condition. Last evaluated: 2023-04-26. Review status: no assertion criteria provided. Collection method: clinical testing. Allele origin: germline. Not counted in ClinVar's aggregate classification.
Comment: This variant is classified as benign based on ACMG/AMP sequence variant interpretation guidelines (Richards et al. 2015 PMID: 25741868, with internal and published modifications).

Diagnostic Laboratory, Department of Genetics, University Medical Center Groningen
Classification: Likely benign. Review status: no assertion criteria provided. Collection method: clinical testing. Allele origin: germline. Affected: yes. Study: VKGL Data-share Consensus. Not counted in ClinVar's aggregate classification.

Genome Diagnostics Laboratory, University Medical Center Utrecht
Classification: Likely benign. Review status: no assertion criteria provided. Collection method: clinical testing. Allele origin: germline. Affected: yes. Study: VKGL Data-share Consensus. Not counted in ClinVar's aggregate classification.